The following is an entry in ClinVar:

NM_000283.4(PDE6B):c.2293G>C (p.Ala765Pro)

Gene: PDE6B (phosphodiesterase 6B; plus strand). Cytogenetic location: 4p16.3.
Variant type: single nucleotide variant.
Coding change: c.2293G>C on transcript NM_000283.4 (MANE Select); coding-DNA position 2293, G replaced by C.
Protein change: p.Ala765Pro; replaces alanine 765 with proline.
Molecular consequence: missense variant.
Genome position (GRCh38, 1-based): chr4:666,555, G>C. VCF-style: chr4-666555-G-C. GRCh37 (hg19) VCF-style: chr4-660344-G-C.
Other names: c.2293G>C, p.Ala765Pro (NM_001145291.2); c.1456G>C, p.Ala486Pro (NM_001145292.2, NM_001350154.3, NM_001379246.1 and 1 more transcripts); c.1138G>C, p.Ala380Pro (NM_001350155.3); short protein forms A765P, A380P, A486P.
Identifiers: ClinVar variation 349391 (VCV000349391.17), dbSNP rs199521106, ClinGen allele CA2794998.

ClinVar aggregate classification (germline): Conflicting classifications of pathogenicity. Review status: criteria provided, conflicting classifications (1 of 4 stars). 6 submissions from 5 submitters: Uncertain significance (3); Benign (1); Likely benign (2). Last evaluated 2025-12-19.

Conditions:
PDE6B-related disorder. Also called: PDE6B-related disorders; PDE6B-related disease; PDE6B-related condition.
Retinal dystrophy. Also called: Inherited retinal dystrophy. Identifiers: Orphanet 71862, MedGen C0854723, MeSH D058499, MONDO:0019118, HP:0000556.
Retinitis pigmentosa (RP). Identifiers: Orphanet 791, MedGen C0035334, MeSH D012174, MONDO:0019200, OMIM 268000. Inheritance: Autosomal dominant, autosomal recessive and X linked inheritance.
Congenital stationary night blindness autosomal dominant 2. Also called: NIGHT BLINDNESS, CONGENITAL STATIONARY, RAMBUSCH TYPE. Identifiers: Orphanet 215, MedGen C1876182, MONDO:0008099, OMIM 163500.

Allele frequency attached by ClinVar (database versions not stated): gnomAD exomes 0.00007 and 0.00042; gnomAD 0.00011 and 0.00012; TOPMed 0.00019; ExAC 0.00033; 1000 Genomes Project 30x 0.00047; 1000 Genomes Project 0.00060.
gnomAD v4.1: 126 of 1,612,976 alleles (0.0078%); highest among the groups gnomAD compares: East Asian, 0.27%; no homozygotes.

Submissions (6):

Labcorp Genetics (formerly Invitae), Labcorp
Classification: Likely benign. Last evaluated: 2025-12-19. Review status: criteria provided, single submitter. Criteria: Invitae Variant Classification Sherloc (09022015). Collection method: clinical testing. Allele origin: germline.

PreventionGenetics, part of Exact Sciences
Classification: Uncertain significance for PDE6B-related condition. Last evaluated: 2025-08-15. Review status: criteria provided, single submitter. Criteria: ACMG Guidelines, 2015. Collection method: clinical testing. Allele origin: germline.
Comment: The PDE6B c.2293G>C variant is predicted to result in the amino acid substitution p.Ala765Pro. This variant has been reported along with a second PDE6B variant in an individual with retinitis pigmentosa (Li et al. 2022. PubMedID: 35033039). This variant is reported in 0.59% of alleles in individuals of East Asian descent in gnomAD, which may be too common to be a primary cause of disease. Although we suspect that this variant may be benign, at this time, the clinical significance of this variant is uncertain due to the absence of conclusive functional and genetic evidence.

Blueprint Genetics
Classification: Likely benign. Last evaluated: 2024-09-23. Review status: criteria provided, single submitter. Criteria: ACMG Guidelines, 2015. Collection method: clinical testing. Allele origin: germline.

Dept Of Ophthalmology, Nagoya University
Classification: Uncertain significance for Retinal dystrophy. Last evaluated: 2023-10-01. Review status: criteria provided, single submitter. Criteria: Submitter's publication. Collection method: research. Allele origin: germline. Affected: yes.

Illumina Laboratory Services, Illumina
Classification: Uncertain significance for Retinitis pigmentosa. Last evaluated: 2018-01-13. Review status: criteria provided, single submitter. Criteria: ICSL Variant Classification Criteria 13 December 2019. Collection method: clinical testing. Allele origin: germline.

Illumina Laboratory Services, Illumina
Classification: Benign for Congenital stationary night blindness autosomal dominant 2. Last evaluated: 2018-01-13. Review status: criteria provided, single submitter. Criteria: ICSL Variant Classification Criteria 13 December 2019. Collection method: clinical testing. Allele origin: germline.
Comment: This variant was observed in the ICSL laboratory as part of a predisposition screen in an ostensibly healthy population. It had not been previously curated by ICSL or reported in the Human Gene Mutation Database (HGMD: prior to June 1st, 2018), and was therefore a candidate for classification through an automated scoring system. Utilizing variant allele frequency, disease prevalence and penetrance estimates, and inheritance mode, an automated score was calculated to assess if this variant is too frequent to cause the disease. Based on the score and internal cut-off values, a variant classified as benign is not then subjected to further curation. The score for this variant resulted in a classification of benign for this disease.